The following is an entry in ClinVar:

NM_001077365.2(POMT1):c.1867G>C (p.Gly623Arg)

Gene: POMT1 (protein O-mannosyltransferase 1; plus strand). Cytogenetic location: 9q34.13.
Variant type: single nucleotide variant.
Coding change: c.1867G>C on transcript NM_001077365.2 (MANE Select); coding-DNA position 1867, G replaced by C.
Protein change: p.Gly623Arg; replaces glycine 623 with arginine.
Molecular consequence: missense variant. On other transcripts: non-coding transcript variant (10).
Genome position (GRCh38, 1-based): chr9:131,522,088, G>C. VCF-style: chr9-131522088-G-C. GRCh37 (hg19) VCF-style: chr9-134397475-G-C.
Other names: c.1411G>C, p.Gly471Arg (NM_001353200.2); c.1855G>C, p.Gly619Arg (NM_001374689.1); c.1648G>C, p.Gly550Arg (NM_001374690.1); c.1516G>C, p.Gly506Arg (NM_001374691.1, NM_001374692.1, NM_001374693.1 and 2 more transcripts); c.1477G>C, p.Gly493Arg (NM_001374695.1); c.736G>C, p.Gly246Arg (NM_001411024.1); c.1933G>C, p.Gly645Arg (NM_007171.4, NM_001353193.2); c.1705G>C, p.Gly569Arg (NM_001077366.2, NM_001353194.2); and 4 more; short protein forms G246R, G493R, G645R, G591R, G471R, G528R, G550R, G623R.
Identifiers: ClinVar variation 2180799 (VCV002180799.4), dbSNP rs756303645, ClinGen allele CA375314251.

ClinVar aggregate classification (germline): Uncertain significance (1 of 4 stars; one submission).

Conditions:
Walker-Warburg congenital muscular dystrophy. Also called: Muscular dystrophy-dystroglycanopathy, type A; Walker-Warburg syndrome. Identifiers: Orphanet 899, MedGen C0265221, MONDO:0000171.
Autosomal recessive limb-girdle muscular dystrophy type 2K. Also called: MUSCULAR DYSTROPHY-DYSTROGLYCANOPATHY (LIMB-GIRDLE), TYPE C, 1; MUSCULAR DYSTROPHY, LIMB-GIRDLE, TYPE 2K. Identifiers: Orphanet 86812, MedGen C1836373, MONDO:0012248, OMIM 609308.
Muscular dystrophy-dystroglycanopathy (congenital with impaired intellectual development), type B, 1. Also called: Muscular dystrophy-dystroglycanopathy (congenital with intellectual disability), type B1; MUSCULAR DYSTROPHY, CONGENITAL, POMT1-RELATED. Identifiers: MedGen C5436962, MONDO:0013159, OMIM 613155.

Submission:

Labcorp Genetics (formerly Invitae), Labcorp
Classification: Uncertain significance for Muscular dystrophy-dystroglycanopathy (congenital with impaired intellectual development), type B, 1; Walker-Warburg congenital muscular dystrophy; Autosomal recessive limb-girdle muscular dystrophy type 2K. Last evaluated: 2022-08-19. Review status: criteria provided, single submitter. Criteria: Invitae Variant Classification Sherloc (09022015). Collection method: clinical testing. Allele origin: germline.
Comment: This sequence change replaces glycine, which is neutral and non-polar, with arginine, which is basic and polar, at codon 645 of the POMT1 protein (p.Gly645Arg). This variant is present in population databases (no rsID available, gnomAD 0.0009%). This variant has not been reported in the literature in individuals affected with POMT1-related conditions. Algorithms developed to predict the effect of missense changes on protein structure and function are either unavailable or do not agree on the potential impact of this missense change (SIFT: "Tolerated"; PolyPhen-2: "Probably Damaging"; Align-GVGD: "Class C0"). In summary, the available evidence is currently insufficient to determine the role of this variant in disease. Therefore, it has been classified as a Variant of Uncertain Significance.